The following is an entry in ClinVar:

ClinVar aggregate classification (germline): Likely benign (1 of 4 stars; one submission).

Conditions:
HTT-related disorder. Also called: HTT-related condition.

Allele frequency attached by ClinVar (database versions not stated): gnomAD exomes below 0.00001; gnomAD 0.00001; ExAC 0.00002; TOPMed 0.00002.
gnomAD v4.1: 6 of 1,598,946 alleles (0.00038%); highest among the groups gnomAD compares: Non-Finnish European, 0.00051%; no homozygotes.

Submission:

PreventionGenetics, part of Exact Sciences
Classification: Likely benign for HTT-related condition. Last evaluated: 2020-12-01. Review status: criteria provided, single submitter. Criteria: ACMG Guidelines, 2015. Collection method: clinical testing. Allele origin: germline.
Comment: This variant is classified as likely benign based on ACMG/AMP sequence variant interpretation guidelines (Richards et al. 2015 PMID: 25741868, with internal and published modifications).

NM_001388492.1(HTT):c.9342T>C (p.Ser3114=)

Gene: HTT (huntingtin; plus strand). Cytogenetic location: 4p16.3.
Variant type: single nucleotide variant.
Coding change: c.9342T>C on transcript NM_001388492.1 (MANE Select); coding-DNA position 9342, T replaced by C.
Protein change: p.Ser3114=; no amino-acid change (serine 3114 retained).
Molecular consequence: synonymous variant.
Genome position (GRCh38, 1-based): chr4:3,239,972, T>C. VCF-style: chr4-3239972-T-C. GRCh37 (hg19) VCF-style: chr4-3241699-T-C.
Other names: c.9348T>C, p.Ser3116= (NM_002111.8).
Identifiers: ClinVar variation 3031759 (VCV003031759.1), dbSNP rs766308856, ClinGen allele CA2825954.